The following is an entry in ClinVar:

ClinVar aggregate classification (germline): Uncertain significance (1 of 4 stars; one submission).

Conditions:
Disseminated atypical mycobacterial infection. Identifiers: MedGen C0694566.

Submission:

Labcorp Genetics (formerly Invitae), Labcorp
Classification: Uncertain significance for Disseminated atypical mycobacterial infection. Last evaluated: 2022-04-06. Review status: criteria provided, single submitter. Criteria: Invitae Variant Classification Sherloc (09022015). Collection method: clinical testing. Allele origin: germline.
Comment: This variant results in a copy number gain of the genomic region encompassing exon(s) 2-7 of the IFNGR1 gene. This region includes the termination codon of the gene. This copy number gain extends beyond the assayed region for this gene and therefore may encompass additional genes. As the precise location of this event is unknown, it may be in tandem or it may be located elsewhere in the genome. This variant has not been reported in the literature in individuals affected with IFNGR1-related conditions. Experimental studies and prediction algorithms are not available or were not evaluated, and the functional significance of this variant is currently unknown. In summary, the available evidence is currently insufficient to determine the role of this variant in disease. Therefore, it has been classified as a Variant of Uncertain Significance.

NC_000006.11:g.(?_137519168)_(137528234_?)dup

Gene: IFNGR1 (interferon gamma receptor 1; minus strand). Cytogenetic location: 6q23.3.
Variant type: Duplication.
Identifiers: ClinVar variation 2423046 (VCV002423046.4).